The following is an entry in ClinVar:

NM_001034853.2(RPGR):c.2164_2168del (p.Glu722fs)

Gene: RPGR (retinitis pigmentosa GTPase regulator; minus strand). Cytogenetic location: Xp11.4.
Variant type: Deletion.
Coding change: c.2164_2168del on transcript NM_001034853.2 (MANE Select); coding-DNA positions 2164 to 2168, 5 bases deleted (GAAAG; older notation c.2164_2168delGAAAG).
Protein change: p.Glu722fs; shifts the reading frame from glutamic acid 722.
Molecular consequence: frameshift variant. On other transcripts: intron variant (8).
Genome position (GRCh38, 1-based): chrX:38,286,831-38,286,835, CTTTC deleted on the plus strand (GAAAG on the coding strand, the reverse complement: RPGR is on the minus strand); deleting any 5 consecutive bases within chrX:38,286,831-38,286,838 gives the same sequence; the c. name uses the placement nearest the transcript's 3' end. VCF-style (leftmost placement, unchanged base first): chrX-38286830-TCTTTC-T. GRCh37 (hg19) VCF-style: chrX-38146083-TCTTTC-T.
Other names: NM_001034853.2:c.2164_2168del; c.1569+4124_1569+4128del (NM_001367249.1, NM_001367250.1); c.1902+259_1902+263del (NM_001367245.1); c.1386+4124_1386+4128del (NM_001367251.1); c.1719+259_1719+263del (NM_001367246.1); c.1572+4124_1572+4128del (NM_001367247.1); c.1905+259_1905+263del (NM_000328.3); c.1602+4124_1602+4128del (NM_001367248.1); short protein forms E722fs.
Identifiers: ClinVar variation 5043501 (VCV005043501.1).

ClinVar aggregate classification (germline): Pathogenic (3 of 4 stars; one submission).

Conditions:
RPGR-related retinopathy. Also called: RPGR retinopathy. Identifiers: MedGen CN305589, MONDO:0100437.

Submission:

ClinGen X-linked Inherited Retinal Disease Variant Curation Expert Panel, ClinGen
Classification: Pathogenic for RPGR-related retinopathy. Last evaluated: 2026-11-20. Review status: reviewed by expert panel. Criteria: ClinGen X LinkedIRD ACMG Specifications RPGR V1.0.0. Collection method: curation. Allele origin: germline. Inheritance: X-linked inheritance.
Comment: The NM_001034853.2:c.2164_2168del variant in the RPGR gene is a frameshift variant at amino acid 722, which results in a premature stop codon and causes a truncated protein. This variant is absent from hemizygous individuals in gnomAD v4.1.2 (PM2_Supporting). This is a frameshift variant that introduces a premature stop codon between amino acids 1-1132 that is predicted to either trigger nonsense-mediated decay or to disrupt a critical C-terminal region required for proper function of RPGR (PVS1, PMID: 36445968). At least one proband harboring this variant exhibits a phenotype including early onset (1 pt), reduced visual acuity (0.5 pts), night blindness (0.5 pts), and NGS + Sanger validation (2 pts), which together are specific for RPGR-related recessive retinopathy (4 points, PP4_supporting). In summary, this variant is classified as Pathogenic for RPGR-related retinopathy based on the ClinGen X-linked Inherited Retinal Disease Expert Panel Specifications to the ACMG/AMP Variant Interpretation Guidelines for RPGR, Version 1.0.0, using the following evidence codes: PVS1, PM2_supporting, and PP4.